The following is an entry in ClinVar:

NM_001267550.2(TTN):c.104045G>A (p.Arg34682His)

Genes: TTN (titin; minus strand), TTN-AS1 (TTN antisense RNA 1; plus strand). Cytogenetic location: 2q31.2.
Variant type: single nucleotide variant.
Coding change: c.104045G>A on transcript NM_001267550.2 (MANE Select); coding-DNA position 104045, G replaced by A.
Protein change: p.Arg34682His; replaces arginine 34682 with histidine.
Molecular consequence: missense variant.
Genome position (GRCh38, 1-based): chr2:178,532,570, C>T on the plus strand (G>A on the coding strand, the complement: TTN is on the minus strand). VCF-style: chr2-178532570-C-T. GRCh37 (hg19) VCF-style: chr2-179397297-C-T.
Other names: c.99122G>A, p.Arg33041His (NM_001256850.1); c.76850G>A, p.Arg25617His (NM_003319.4); c.96341G>A, p.Arg32114His (NM_133378.4); c.77225G>A, p.Arg25742His (NM_133432.3); c.77426G>A, p.Arg25809His (NM_133437.4); short protein forms R25617H, R34682H, R25742H, R32114H, R25809H, R33041H.
Identifiers: ClinVar variation 893045 (VCV000893045.7), dbSNP rs190398670, ClinGen allele CA1985494.

ClinVar aggregate classification (germline): Conflicting classifications of pathogenicity. Review status: criteria provided, conflicting classifications (1 of 4 stars). 6 submissions from 2 submitters: Uncertain significance (4); Benign (2). Last evaluated 2024-12-17.

Conditions:
Autosomal recessive limb-girdle muscular dystrophy type 2J (LGMDR10). Also called: Limb-girdle muscular dystrophy, type 2J; MUSCULAR DYSTROPHY, LIMB-GIRDLE, AUTOSOMAL RECESSIVE 10. Identifiers: Orphanet 140922, MedGen C1837342, MONDO:0012127, OMIM 608807.
Dilated cardiomyopathy 1G (CMD1G). Identifiers: Orphanet 154, MedGen C1858763, MONDO:0011400, OMIM 604145.
Myopathy, myofibrillar, 9, with early respiratory failure (MFM9). Also called: EDSTROM MYOPATHY; MYOPATHY, PROXIMAL, WITH EARLY RESPIRATORY MUSCLE INVOLVEMENT; Myopathy, distal, with early respiratory failure, autosomal dominant; Hereditary myopathy with early respiratory failure. Identifiers: Orphanet 178464, Orphanet 34521, MedGen C1863599, MONDO:0011362, OMIM 603689.
Early-onset myopathy with fatal cardiomyopathy (CMYO5). Also called: CONGENITAL MYOPATHY 5 WITH CARDIOMYOPATHY; Salih Myopathy. Identifiers: Orphanet 289377, MedGen C2673677, MONDO:0012714, OMIM 611705. Disease mechanism: loss of function.
Tibial muscular dystrophy (TMD). Also called: Tibial muscular dystrophy, tardive; UDD MYOPATHY; Udd Distal Myopathy – Tibial Muscular Dystrophy. Identifiers: Orphanet 609, MedGen C1838244, MONDO:0010870, OMIM 600334.

Allele frequency attached by ClinVar (database versions not stated): gnomAD 0.00002 and 0.00001; gnomAD exomes 0.00002 and 0.00001; TOPMed 0.00002; ExAC 0.00003; 1000 Genomes Project 0.00040; 1000 Genomes Project 30x 0.00047.
gnomAD v4.1: 14 of 1,613,954 alleles (0.00087%); highest among the groups gnomAD compares: African/African-American, 0.0027%; no homozygotes.

Submissions (6):

Labcorp Genetics (formerly Invitae), Labcorp
Classification: Uncertain significance for Dilated cardiomyopathy 1G; Autosomal recessive limb-girdle muscular dystrophy type 2J. Last evaluated: 2024-12-17. Review status: criteria provided, single submitter. Criteria: Invitae Variant Classification Sherloc (09022015). Collection method: clinical testing. Allele origin: germline.
Comment: This sequence change replaces arginine, which is basic and polar, with histidine, which is basic and polar, at codon 34682 of the TTN protein (p.Arg34682His). This variant is present in population databases (rs190398670, gnomAD 0.01%). This variant has not been reported in the literature in individuals affected with TTN-related conditions. ClinVar contains an entry for this variant (Variation ID: 893045). An algorithm developed to predict the effect of missense changes on protein structure and function outputs the following: PolyPhen-2: "Not Available". The histidine amino acid residue is found in multiple mammalian species, which suggests that this missense change does not adversely affect protein function. This variant is located in the M band of TTN (PMID: 25589632). Non-truncating variants in this region may be relevant for neuromuscular disorders, but have not been definitively shown to cause cardiomyopathy (PMID: 23975875). In summary, the available evidence is currently insufficient to determine the role of this variant in disease. Therefore, it has been classified as a Variant of Uncertain Significance.

Illumina Laboratory Services, Illumina
Classification: Benign for Tibial muscular dystrophy. Last evaluated: 2018-01-13. Review status: criteria provided, single submitter. Criteria: ICSL Variant Classification Criteria 13 December 2019. Collection method: clinical testing. Allele origin: germline.
Comment: This variant was observed in the ICSL laboratory as part of a predisposition screen in an ostensibly healthy population. It had not been previously curated by ICSL or reported in the Human Gene Mutation Database (HGMD: prior to June 1st, 2018), and was therefore a candidate for classification through an automated scoring system. Utilizing variant allele frequency, disease prevalence and penetrance estimates, and inheritance mode, an automated score was calculated to assess if this variant is too frequent to cause the disease. Based on the score and internal cut-off values, a variant classified as benign is not then subjected to further curation. The score for this variant resulted in a classification of benign for this disease.

Illumina Laboratory Services, Illumina
Classification: Benign for Myopathy, myofibrillar, 9, with early respiratory failure. Last evaluated: 2018-01-13. Review status: criteria provided, single submitter. Criteria: ICSL Variant Classification Criteria 13 December 2019. Collection method: clinical testing. Allele origin: germline.
Comment: the same text as in the submission from Illumina Laboratory Services, Illumina above.

Illumina Laboratory Services, Illumina
Classification: Uncertain significance for Autosomal recessive limb-girdle muscular dystrophy type 2J. Last evaluated: 2018-01-13. Review status: criteria provided, single submitter. Criteria: ICSL Variant Classification Criteria 13 December 2019. Collection method: clinical testing. Allele origin: germline.

Illumina Laboratory Services, Illumina
Classification: Uncertain significance for Early-onset myopathy with fatal cardiomyopathy. Last evaluated: 2018-01-13. Review status: criteria provided, single submitter. Criteria: ICSL Variant Classification Criteria 13 December 2019. Collection method: clinical testing. Allele origin: germline.

Illumina Laboratory Services, Illumina
Classification: Uncertain significance for Dilated cardiomyopathy 1G. Last evaluated: 2018-01-13. Review status: criteria provided, single submitter. Criteria: ICSL Variant Classification Criteria 13 December 2019. Collection method: clinical testing. Allele origin: germline.

Literature cited by the submitters: PubMed 25589632 (cited by Labcorp Genetics (formerly Invitae), Labcorp); PubMed 23975875 (cited by Labcorp Genetics (formerly Invitae), Labcorp).